The following is an entry in ClinVar:

ClinVar aggregate classification (germline): Pathogenic (1 of 4 stars; one submission).

Submission:

Labcorp Genetics (formerly Invitae), Labcorp
Classification: Pathogenic. Last evaluated: 2023-09-17. Review status: criteria provided, single submitter. Criteria: Invitae Variant Classification Sherloc (09022015). Collection method: clinical testing. Allele origin: germline.
Comment: This variant is not present in population databases (gnomAD no frequency). This variant has not been reported in the literature in individuals affected with PEPD-related conditions. For these reasons, this variant has been classified as Pathogenic. This sequence change creates a premature translational stop signal (p.Glu280Ilefs*40) in the PEPD gene. It is expected to result in an absent or disrupted protein product. Loss-of-function variants in PEPD are known to be pathogenic (PMID: 8198124, 10721675, 12384772, 17142620).

Literature cited by the submitters: PubMed 8198124; PubMed 10721675; PubMed 12384772; PubMed 17142620.

NM_000285.4(PEPD):c.838_841del (p.Glu280fs)

Gene: PEPD (peptidase D; minus strand). Cytogenetic location: 19q13.11.
Variant type: Deletion.
Coding change: c.838_841del on transcript NM_000285.4 (MANE Select); coding-DNA positions 838 to 841, 4 bases deleted (GAGT; older notation c.838_841delGAGT).
Protein change: p.Glu280fs; shifts the reading frame from glutamic acid 280.
Molecular consequence: frameshift variant.
Genome position (GRCh38, 1-based): chr19:33,401,847-33,401,850, ACTC deleted on the plus strand (GAGT on the coding strand, the reverse complement: PEPD is on the minus strand); deleting any 4 consecutive bases within chr19:33,401,847-33,401,852 gives the same sequence; the c. name uses the placement nearest the transcript's 3' end. VCF-style (leftmost placement, unchanged base first): chr19-33401846-TACTC-T. GRCh37 (hg19) VCF-style: chr19-33892752-TACTC-T.
Other names: c.715_718del, p.Glu239fs (NM_001166056.2); c.646_649del, p.Glu216fs (NM_001166057.2); short protein forms E239fs, E216fs, E280fs.
Identifiers: ClinVar variation 2761247 (VCV002761247.3), dbSNP rs2513396675, ClinGen allele CA2573334480.